The following is an entry in ClinVar:

ClinVar aggregate classification (germline): Uncertain significance (1 of 4 stars; one submission).

Submission:

Labcorp Genetics (formerly Invitae), Labcorp
Classification: Uncertain significance. Last evaluated: 2023-02-27. Review status: criteria provided, single submitter. Criteria: Invitae Variant Classification Sherloc (09022015). Collection method: clinical testing. Allele origin: germline.
Comment: In summary, the available evidence is currently insufficient to determine the role of this variant in disease. Therefore, it has been classified as a Variant of Uncertain Significance. Advanced modeling of protein sequence and biophysical properties (such as structural, functional, and spatial information, amino acid conservation, physicochemical variation, residue mobility, and thermodynamic stability) performed at Invitae indicates that this missense variant is expected to disrupt SMARCB1 protein function. ClinVar contains an entry for this variant (Variation ID: 1043491). This variant has not been reported in the literature in individuals affected with SMARCB1-related conditions. This variant is not present in population databases (gnomAD no frequency). This sequence change replaces aspartic acid, which is acidic and polar, with glutamic acid, which is acidic and polar, at codon 277 of the SMARCB1 protein (p.Asp277Glu).

NM_003073.5(SMARCB1):c.831C>G (p.Asp277Glu)

Gene: SMARCB1 (SWI/SNF related BAF chromatin remodeling complex subunit B1; plus strand). Cytogenetic location: 22q11.23.
Variant type: single nucleotide variant.
Coding change: c.831C>G on transcript NM_003073.5 (MANE Select); coding-DNA position 831, C replaced by G.
Protein change: p.Asp277Glu; replaces aspartic acid 277 with glutamic acid.
Molecular consequence: missense variant.
Genome position (GRCh38, 1-based): chr22:23,825,260, C>G. VCF-style: chr22-23825260-C-G. GRCh37 (hg19) VCF-style: chr22-24167447-C-G.
Other names: c.804C>G, p.Asp268Glu (NM_001007468.3); c.858C>G, p.Asp286Glu (NM_001317946.2); c.885C>G, p.Asp295Glu (NM_001362877.2); short protein forms D295E, D277E, D268E, D286E.
Identifiers: ClinVar variation 1043491 (VCV001043491.8), dbSNP rs1601433351, ClinGen allele CA410906905.